The following is an entry in ClinVar:

NM_001844.5(COL2A1):c.1678del (p.Arg560fs)

Gene: COL2A1 (collagen type II alpha 1 chain; minus strand). Cytogenetic location: 12q13.11.
Variant type: Deletion.
Coding change: c.1678del on transcript NM_001844.5 (MANE Select); coding-DNA position 1678, one base deleted (C; older notation c.1678delC).
Protein change: p.Arg560fs; shifts the reading frame from arginine 560.
Molecular consequence: frameshift variant.
Genome position (GRCh38, 1-based): chr12:47,985,730, G deleted on the plus strand (C on the coding strand, the reverse complement: COL2A1 is on the minus strand); the first of 3 consecutive G bases (chr12:47,985,730-47,985,732); deleting any one gives the same sequence. VCF-style (leftmost placement, unchanged base first): chr12-47985729-CG-C. GRCh37 (hg19) VCF-style: chr12-48379512-CG-C.
Other names: c.1471del, p.Arg491fs (NM_033150.3); short protein forms R491fs, R560fs.
Identifiers: ClinVar variation 3343195 (VCV003343195.1).

ClinVar aggregate classification (germline): Pathogenic (1 of 4 stars; one submission).

Submission:

GeneDx
Classification: Pathogenic. Last evaluated: 2023-04-24. Review status: criteria provided, single submitter. Criteria: GeneDx Variant Classification Process June 2021. Collection method: clinical testing. Allele origin: germline. Affected: yes.
Comment: Frameshift variant predicted to result in protein truncation or nonsense mediated decay in a gene for which loss of function is a known mechanism of disease; Not observed at significant frequency in large population cohorts (gnomAD); Has not been previously published as pathogenic or benign to our knowledge